The following is an entry in ClinVar:

NM_033026.6(PCLO):c.10067C>T (p.Thr3356Ile)

Gene: PCLO (piccolo presynaptic cytomatrix protein; minus strand). Cytogenetic location: 7q21.11.
Variant type: single nucleotide variant.
Coding change: c.10067C>T on transcript NM_033026.6 (MANE Select); coding-DNA position 10067, C replaced by T.
Protein change: p.Thr3356Ile; replaces threonine 3356 with isoleucine.
Molecular consequence: missense variant.
Genome position (GRCh38, 1-based): chr7:82,950,521, G>A on the plus strand (C>T on the coding strand, the complement: PCLO is on the minus strand). VCF-style: chr7-82950521-G-A. GRCh37 (hg19) VCF-style: chr7-82579837-G-A.
Other names: c.10067C>T, p.Thr3356Ile (NM_014510.3); short protein forms T3356I.
Identifiers: ClinVar variation 1439321 (VCV001439321.6), dbSNP rs976442537, ClinGen allele CA367905684.

ClinVar aggregate classification (germline): Uncertain significance (1 of 4 stars; one submission).

Submission:

Labcorp Genetics (formerly Invitae), Labcorp
Classification: Uncertain significance. Last evaluated: 2023-05-22. Review status: criteria provided, single submitter. Criteria: Invitae Variant Classification Sherloc (09022015). Collection method: clinical testing. Allele origin: germline.
Comment: This sequence change replaces threonine, which is neutral and polar, with isoleucine, which is neutral and non-polar, at codon 3356 of the PCLO protein (p.Thr3356Ile). In summary, the available evidence is currently insufficient to determine the role of this variant in disease. Therefore, it has been classified as a Variant of Uncertain Significance. Experimental studies and prediction algorithms are not available or were not evaluated, and the functional significance of this variant is currently unknown. ClinVar contains an entry for this variant (Variation ID: 1439321). This variant has not been reported in the literature in individuals affected with PCLO-related conditions. This variant is not present in population databases (gnomAD no frequency).